The following is an entry in ClinVar:

NM_000321.3(RB1):c.1815-8A>C

Gene: RB1 (RB transcriptional corepressor 1; plus strand). Cytogenetic location: 13q14.2.
Variant type: single nucleotide variant.
Coding change: c.1815-8A>C on transcript NM_000321.3 (MANE Select); 8 bases into the intron before coding-DNA position 1815, A replaced by C.
Molecular consequence: intron variant.
Genome position (GRCh38, 1-based): chr13:48,456,196, A>C. VCF-style: chr13-48456196-A-C. GRCh37 (hg19) VCF-style: chr13-49030332-A-C.
Other names: c.1815-8A>C (NM_001407165.1).
Identifiers: ClinVar variation 2874784 (VCV002874784.6), dbSNP rs1212283121, ClinGen allele CA609584040.

ClinVar aggregate classification (germline): Likely benign. Review status: criteria provided, multiple submitters, no conflicts (2 of 4 stars). 4 submissions from 4 submitters: Likely benign (4). Last evaluated 2026-06-22.

Conditions:
Retinoblastoma (RB1). Also called: RETINOBLASTOMA, SOMATIC. Identifiers: Orphanet 790, MedGen C0035335, MeSH D012175, MONDO:0008380, OMIM 180200, HP:0009919. Disease mechanism: loss of function. Inheritance: Both sporadic and heritable forms are tested..

Allele frequency attached by ClinVar (database versions not stated): gnomAD 0.00001; TOPMed 0.00001.
gnomAD v4.1: 2 of 1,613,898 alleles (0.00012%); highest among the groups gnomAD compares: African/African-American, 0.0027%; no homozygotes.

Submissions (4):

Myriad Genetics, Inc.
Classification: Likely benign for Retinoblastoma. Last evaluated: 2026-06-22. Review status: criteria provided, single submitter. Criteria: Myriad Autosomal Dominant, Autosomal Recessive and X-Linked Classification Criteria (2023). Collection method: clinical testing. Allele origin: unknown.
Comment: This variant is considered likely benign. This variant is intronic and is not expected to impact mRNA splicing.

All of Us Research Program, National Institutes of Health
Classification: Likely benign for Retinoblastoma. Last evaluated: 2024-08-13. Review status: criteria provided, single submitter. Criteria: ACMG Guidelines, 2015. Collection method: clinical testing. Allele origin: germline. Inheritance: Autosomal dominant inheritance. Observed: 1 variant allele, 1 heterozygote.
Comment: This study involves interpretation of variants in research participants for the purpose of population health screening. Participant phenotype was not available at the time of variant classification. Additional details can be found in publication PMID: 35346344, PMCID: PMC8962531

Color Diagnostics, LLC DBA Color Health
Classification: Likely benign for Retinoblastoma. Last evaluated: 2024-07-24. Review status: criteria provided, single submitter. Criteria: ACMG Guidelines, 2015. Collection method: clinical testing. Allele origin: germline.

Labcorp Genetics (formerly Invitae), Labcorp
Classification: Likely benign for Retinoblastoma. Last evaluated: 2023-10-04. Review status: criteria provided, single submitter. Criteria: Invitae Variant Classification Sherloc (09022015). Collection method: clinical testing. Allele origin: germline.